The following is an entry in ClinVar:

ClinVar aggregate classification (germline): Uncertain significance (1 of 4 stars; one submission).

Conditions:
Autosomal dominant nonsyndromic hearing loss 1. Also called: DEAFNESS, AUTOSOMAL DOMINANT 1, WITH OR WITHOUT THROMBOCYTOPENIA; KONIGSMARK SYNDROME. Identifiers: Orphanet 90635, MedGen C1852282, MONDO:0007424, OMIM 124900.
Progressive microcephaly-seizures-cortical blindness-developmental delay syndrome. Also called: Seizures, cortical blindness, and microcephaly syndrome. Identifiers: Orphanet 477814, MedGen C5567650, MONDO:0014714, OMIM 616632.

Allele frequency attached by ClinVar (database versions not stated): gnomAD exomes below 0.00001.
gnomAD v4.1: 1 of 1,505,234 alleles (0.000066%); highest among the groups gnomAD compares: Non-Finnish European, 0.000089%; no homozygotes.

Submission:

Labcorp Genetics (formerly Invitae), Labcorp
Classification: Uncertain significance for Progressive microcephaly-seizures-cortical blindness-developmental delay syndrome; Autosomal dominant nonsyndromic hearing loss 1. Last evaluated: 2023-11-29. Review status: criteria provided, single submitter. Criteria: Invitae Variant Classification Sherloc (09022015). Collection method: clinical testing. Allele origin: germline.
Comment: This sequence change replaces glutamic acid, which is acidic and polar, with aspartic acid, which is acidic and polar, at codon 2 of the DIAPH1 protein (p.Glu2Asp). This variant is not present in population databases (gnomAD no frequency). This variant has not been reported in the literature in individuals affected with DIAPH1-related conditions. ClinVar contains an entry for this variant (Variation ID: 1714793). Algorithms developed to predict the effect of missense changes on protein structure and function output the following: SIFT: "Not Available"; PolyPhen-2: "Not Available"; Align-GVGD: "Not Available". The aspartic acid amino acid residue is found in multiple mammalian species, which suggests that this missense change does not adversely affect protein function. In summary, the available evidence is currently insufficient to determine the role of this variant in disease. Therefore, it has been classified as a Variant of Uncertain Significance.

NM_005219.5(DIAPH1):c.6G>C (p.Glu2Asp)

Gene: DIAPH1 (diaphanous related formin 1; minus strand). Cytogenetic location: 5q31.3.
Variant type: single nucleotide variant.
Coding change: c.6G>C on transcript NM_005219.5 (MANE Select); coding-DNA position 6, G replaced by C.
Protein change: p.Glu2Asp; replaces glutamic acid 2 with aspartic acid.
Molecular consequence: missense variant.
Genome position (GRCh38, 1-based): chr5:141,618,909, C>G on the plus strand (G>C on the coding strand, the complement: DIAPH1 is on the minus strand). VCF-style: chr5-141618909-C-G. GRCh37 (hg19) VCF-style: chr5-140998476-C-G.
Other names: c.6G>C, p.Glu2Asp (NM_001079812.3, NM_001314007.2); short protein forms E2D.
Identifiers: ClinVar variation 1714793 (VCV001714793.6), dbSNP rs2513851424, ClinGen allele CA361509051.